The following is an entry in ClinVar:

ClinVar aggregate classification (germline): Benign/Likely benign. Review status: criteria provided, multiple submitters, no conflicts (2 of 4 stars). 6 submissions from 6 submitters: Benign (1); Likely benign (5). Last evaluated 2025-06-22.

Conditions:
Familial adenomatous polyposis 1 (FAP1). Also called: POLYPOSIS, ADENOMATOUS INTESTINAL; FAMILIAL ADENOMATOUS POLYPOSIS 1, ATTENUATED. Identifiers: MedGen C2713442, MONDO:0021056, OMIM 175100. Disease mechanism: loss of function.
Hereditary cancer-predisposing syndrome. Also called: Hereditary Cancer Syndrome; Neoplastic Syndromes, Hereditary; Tumor predisposition; Hereditary neoplastic syndrome. Identifiers: Orphanet 140162, MedGen C0027672, MeSH D009386, MONDO:0015356.
Classic or attenuated familial adenomatous polyposis. Identifiers: MedGen CN372698, MONDO:0021057.

Allele frequency attached by ClinVar (database versions not stated): gnomAD exomes 0.00001.
gnomAD v4.1: 3 of 1,614,168 alleles (0.00019%); highest among the groups gnomAD compares: Non-Finnish European, 0.00025%; no homozygotes.

Submissions (6):

Labcorp Genetics (formerly Invitae), Labcorp
Classification: Likely benign for Familial adenomatous polyposis 1. Last evaluated: 2025-06-22. Review status: criteria provided, single submitter. Criteria: Invitae Variant Classification Sherloc (09022015). Collection method: clinical testing. Allele origin: germline.

All of Us Research Program, National Institutes of Health
Classification: Likely benign for Classic or attenuated familial adenomatous polyposis. Last evaluated: 2024-03-25. Review status: criteria provided, single submitter. Criteria: ACMG Guidelines, 2015. Collection method: clinical testing. Allele origin: germline. Inheritance: Autosomal dominant inheritance. Observed: 1 variant allele, 1 heterozygote.
Comment: This study involves interpretation of variants in research participants for the purpose of population health screening. Participant phenotype was not available at the time of variant classification. Additional details can be found in publication PMID: 35346344, PMCID: PMC8962531

Myriad Genetics, Inc.
Classification: Benign for Familial adenomatous polyposis 1. Last evaluated: 2024-03-18. Review status: criteria provided, single submitter. Criteria: Myriad Autosomal Dominant, Autosomal Recessive and X-Linked Classification Criteria (2023). Collection method: clinical testing. Allele origin: unknown.
Comment: This variant is considered benign. This variant is a silent/synonymous amino acid change and it is not expected to impact splicing.

GeneDx
Classification: Likely benign. Last evaluated: 2019-08-15. Review status: criteria provided, single submitter. Criteria: GeneDx Variant Classification Process June 2021. Collection method: clinical testing. Allele origin: germline. Affected: yes.

Ambry Genetics
Classification: Likely benign for Hereditary cancer-predisposing syndrome. Last evaluated: 2018-04-11. Review status: criteria provided, single submitter. Criteria: Ambry Variant Classification Scheme 2023. Collection method: clinical testing. Allele origin: germline.

Color Diagnostics, LLC DBA Color Health
Classification: Likely benign for Hereditary cancer-predisposing syndrome. Last evaluated: 2017-09-12. Review status: criteria provided, single submitter. Criteria: ACMG Guidelines, 2015. Collection method: clinical testing. Allele origin: germline.

NM_000038.6(APC):c.3195A>G (p.Gln1065=)

Gene: APC (APC regulator of Wnt signaling pathway; plus strand). Cytogenetic location: 5q22.2.
Variant type: single nucleotide variant.
Coding change: c.3195A>G on transcript NM_000038.6 (MANE Select); coding-DNA position 3195, A replaced by G.
Protein change: p.Gln1065=; no amino-acid change (glutamine 1065 retained).
Molecular consequence: synonymous variant.
Genome position (GRCh38, 1-based): chr5:112,838,789, A>G. VCF-style: chr5-112838789-A-G. GRCh37 (hg19) VCF-style: chr5-112174486-A-G.
Other names: c.3195A>G, p.Gln1065= (NM_001127510.3, NM_001354895.2); c.3141A>G, p.Gln1047= (NM_001127511.3); c.3249A>G, p.Gln1083= (NM_001354896.2); c.3225A>G, p.Gln1075= (NM_001354897.2); c.3120A>G, p.Gln1040= (NM_001354898.2); c.3111A>G, p.Gln1037= (NM_001354899.2); c.3072A>G, p.Gln1024= (NM_001354900.2); c.3018A>G, p.Gln1006= (NM_001354901.2); and 5 more.
Identifiers: ClinVar variation 490257 (VCV000490257.22), dbSNP rs1554084837, ClinGen allele CA445963225.